The following is an entry in ClinVar:

NM_000059.4(BRCA2):c.4594del (p.Val1532fs)

Gene: BRCA2 (BRCA2 DNA repair associated; plus strand). Cytogenetic location: 13q13.1.
Variant type: Deletion.
Coding change: c.4594del on transcript NM_000059.4 (MANE Select); coding-DNA position 4594, one base deleted (G; older notation c.4594delG).
Protein change: p.Val1532fs; shifts the reading frame from valine 1532.
Molecular consequence: frameshift variant. On other transcripts: non-coding transcript variant (1), intron variant (2).
Genome position (GRCh38, 1-based): chr13:32,338,949, G deleted. VCF-style (leftmost placement, unchanged base first): chr13-32338948-AG-A. GRCh37 (hg19) VCF-style: chr13-32913085-AG-A.
Other names: c.4594del, p.Val1532fs (NM_001406719.1, NM_001406720.1); c.1909+5562del (NM_001406721.1); c.425-5609del (NM_001406722.1); short protein forms V1532fs.
Identifiers: ClinVar variation 2751481 (VCV002751481.3), dbSNP rs2548528798, ClinGen allele CA2697551746.

ClinVar aggregate classification (germline): Pathogenic (1 of 4 stars; one submission).

Conditions:
Hereditary breast ovarian cancer syndrome. Also called: Hereditary breast and ovarian cancer; Hereditary breast and ovarian cancer syndrome; Breast and ovarian cancer; BRCA1- and BRCA2-Associated Hereditary Breast and Ovarian Cancer; Hereditary breast and ovarian cancer syndrome (HBOC); Hereditary breast and/or ovarian cancer syndrome. Identifiers: Orphanet 145, MedGen C0677776, MeSH D061325, MONDO:0003582. Disease mechanism: loss of function.

Submission:

Labcorp Genetics (formerly Invitae), Labcorp
Classification: Pathogenic for Hereditary breast ovarian cancer syndrome. Last evaluated: 2023-08-10. Review status: criteria provided, single submitter. Criteria: Invitae Variant Classification Sherloc (09022015). Collection method: clinical testing. Allele origin: germline.
Comment: This variant is not present in population databases (gnomAD no frequency). This sequence change creates a premature translational stop signal (p.Val1532Leufs*11) in the BRCA2 gene. It is expected to result in an absent or disrupted protein product. Loss-of-function variants in BRCA2 are known to be pathogenic (PMID: 20104584). This variant has not been reported in the literature in individuals affected with BRCA2-related conditions. For these reasons, this variant has been classified as Pathogenic.

Literature cited by the submitters: PubMed 20104584.